The following is an entry in ClinVar:

NM_007194.4(CHEK2):c.614_615del (p.Thr205fs)

Gene: CHEK2 (checkpoint kinase 2; minus strand). Cytogenetic location: 22q12.1.
Variant type: Deletion.
Coding change: c.614_615del on transcript NM_007194.4 (MANE Select); coding-DNA positions 614 to 615, 2 bases deleted (CT; older notation c.614_615delCT).
Protein change: p.Thr205fs; shifts the reading frame from threonine 205.
Molecular consequence: frameshift variant. On other transcripts: 5 prime UTR variant (2), intron variant (1).
Genome position (GRCh38, 1-based): chr22:28,719,463-28,719,464, AG deleted on the plus strand (CT on the coding strand, the reverse complement: CHEK2 is on the minus strand). VCF-style (leftmost placement, unchanged base first): chr22-28719462-CAG-C. GRCh37 (hg19) VCF-style: chr22-29115450-CAG-C.
Other names: c.743_744del, p.Thr248fs (NM_001005735.3, NM_001438294.1); c.-50_-49del (NM_001257387.3, NM_001437942.1); c.707_708del, p.Thr236fs (NM_001438293.1, NM_001438295.1); c.614_615del, p.Thr205fs (NM_145862.3); c.482+5422_482+5423del (NM_001349956.3); short protein forms T205fs, T248fs, T236fs.
Identifiers: ClinVar variation 2034045 (VCV002034045.4), dbSNP rs2518010356, ClinGen allele CA2580099383.

ClinVar aggregate classification (germline): Pathogenic (1 of 4 stars; one submission).

Conditions:
Familial cancer of breast. Also called: BREAST CANCER, FAMILIAL; Hereditary breast cancer; hereditary breast carcinoma. Identifiers: Orphanet 227535, MedGen C0346153, MONDO:0016419, OMIM 114480. Disease mechanism: loss of function.

Submission:

Labcorp Genetics (formerly Invitae), Labcorp
Classification: Pathogenic for Familial cancer of breast. Last evaluated: 2022-10-04. Review status: criteria provided, single submitter. Criteria: Invitae Variant Classification Sherloc (09022015). Collection method: clinical testing. Allele origin: germline.
Comment: For these reasons, this variant has been classified as Pathogenic. Algorithms developed to predict the effect of sequence changes on RNA splicing suggest that this variant may disrupt the consensus splice site. This variant has not been reported in the literature in individuals affected with CHEK2-related conditions. This variant is not present in population databases (gnomAD no frequency). This sequence change creates a premature translational stop signal (p.Thr205Serfs*3) in the CHEK2 gene. It is expected to result in an absent or disrupted protein product. Loss-of-function variants in CHEK2 are known to be pathogenic (PMID: 21876083, 24713400).

Literature cited by the submitters: PubMed 21876083; PubMed 24713400.